The following is an entry in ClinVar:

NM_006231.4(POLE):c.5502C>T (p.Asp1834=)

Gene: POLE (DNA polymerase epsilon, catalytic subunit; minus strand). Cytogenetic location: 12q24.33.
Variant type: single nucleotide variant.
Coding change: c.5502C>T on transcript NM_006231.4 (MANE Select); coding-DNA position 5502, C replaced by T.
Protein change: p.Asp1834=; no amino-acid change (aspartic acid 1834 retained).
Molecular consequence: synonymous variant.
Genome position (GRCh38, 1-based): chr12:132,639,175, G>A on the plus strand (C>T on the coding strand, the complement: POLE is on the minus strand). VCF-style: chr12-132639175-G-A. GRCh37 (hg19) VCF-style: chr12-133215761-G-A.
Other names: c.5502C>T (NM_006231.2).
Identifiers: ClinVar variation 473737 (VCV000473737.15), dbSNP rs1555221903, ClinGen allele CA482726374.
Genomic context (GRCh38, chr12:132,639,175, plus strand): 5'-GAGCACTCACTGCAGGAAGAGCTTCTTCATCATGTTGTGGAGTGTGCGGTGCAGGGCAGG[G>A]TCATGAAGCAGAGAGGATGGCGACCGAAGCCAGCGGTAGAAGTGCATCACCTGGTTGTCT-3'
Protein context (NP_006222.2, residues 1824-1844): WLRSPSSLLH[Asp1834=]PALHRTLHNM

ClinVar aggregate classification (germline): Conflicting classifications of pathogenicity. Review status: criteria provided, conflicting classifications (1 of 4 stars). 3 submissions from 3 submitters: Uncertain significance (1); Likely benign (2). Last evaluated 2025-03-04.

Conditions:
Hereditary cancer-predisposing syndrome. Also called: Neoplastic Syndromes, Hereditary; Tumor predisposition; Hereditary Cancer Syndrome; Hereditary neoplastic syndrome. Identifiers: Orphanet 140162, MedGen C0027672, MeSH D009386, MONDO:0015356.

Allele frequency attached by ClinVar (database versions not stated): gnomAD exomes below 0.00001.
gnomAD v4.1: 3 of 1,614,158 alleles (0.00019%); highest among the groups gnomAD compares: Non-Finnish European, 0.00025%; no homozygotes.

Submissions (3):

Labcorp Genetics (formerly Invitae), Labcorp
Classification: Likely benign. Last evaluated: 2025-03-04. Review status: criteria provided, single submitter. Criteria: Invitae Variant Classification Sherloc (09022015). Collection method: clinical testing. Allele origin: germline.

Ambry Genetics
Classification: Likely benign for Hereditary cancer-predisposing syndrome. Last evaluated: 2019-11-16. Review status: criteria provided, single submitter. Criteria: Ambry Variant Classification Scheme 2023. Collection method: clinical testing. Allele origin: germline.

GeneDx
Classification: Uncertain significance. Last evaluated: 2019-05-09. Review status: criteria provided, single submitter. Criteria: GeneDx Variant Classification Process June 2021. Collection method: clinical testing. Allele origin: germline. Affected: yes.
Comment: Not observed in large population cohorts (Lek et al., 2016); In silico analysis, which includes splice predictors and evolutionary conservation, supports that this variant does not alter protein structure/function; Has not been previously published as pathogenic or benign to our knowledge